The following is an entry in ClinVar:

ClinVar aggregate classification (germline): Uncertain significance (1 of 4 stars; one submission).

Conditions:
Fanconi anemia complementation group E (FANCE). Also called: FANCE-Related Fanconi Anemia. Identifiers: Orphanet 84, MedGen C3160739, MONDO:0010953, OMIM 600901.

Submission:

Labcorp Genetics (formerly Invitae), Labcorp
Classification: Uncertain significance for Fanconi anemia complementation group E. Last evaluated: 2022-04-12. Review status: criteria provided, single submitter. Criteria: Invitae Variant Classification Sherloc (09022015). Collection method: clinical testing. Allele origin: germline.
Comment: Algorithms developed to predict the effect of missense changes on protein structure and function are either unavailable or do not agree on the potential impact of this missense change (SIFT: "Tolerated"; PolyPhen-2: "Probably Damaging"; Align-GVGD: "Class C0"). This sequence change replaces phenylalanine, which is neutral and non-polar, with leucine, which is neutral and non-polar, at codon 451 of the FANCE protein (p.Phe451Leu). This variant is not present in population databases (gnomAD no frequency). This variant has not been reported in the literature in individuals affected with FANCE-related conditions. In summary, the available evidence is currently insufficient to determine the role of this variant in disease. Therefore, it has been classified as a Variant of Uncertain Significance.

NM_021922.3(FANCE):c.1353C>G (p.Phe451Leu)

Gene: FANCE (FA complementation group E; plus strand). Cytogenetic location: 6p21.31.
Variant type: single nucleotide variant.
Coding change: c.1353C>G on transcript NM_021922.3 (MANE Select); coding-DNA position 1353, C replaced by G.
Protein change: p.Phe451Leu; replaces phenylalanine 451 with leucine.
Molecular consequence: missense variant. On other transcripts: intron variant (1).
Genome position (GRCh38, 1-based): chr6:35,460,588, C>G. VCF-style: chr6-35460588-C-G. GRCh37 (hg19) VCF-style: chr6-35428365-C-G.
Other names: c.1316+828C>G (NM_001410876.1); short protein forms F451L.
Identifiers: ClinVar variation 1968334 (VCV001968334.5), dbSNP rs2150898463, ClinGen allele CA363777755.